The following is an entry in ClinVar:

ClinVar aggregate classification (germline): Uncertain significance (1 of 4 stars; one submission).

Conditions:
Ullrich congenital muscular dystrophy 2 (UCMD2). Identifiers: Orphanet 75840, MedGen C4225314, MONDO:0014654, OMIM 616470.
Bethlem myopathy 2 (BTHLM2). Identifiers: Orphanet 536516, Orphanet 610, MedGen C4225313, MONDO:0034022, OMIM 616471.

Submission:

Labcorp Genetics (formerly Invitae), Labcorp
Classification: Uncertain significance for Bethlem myopathy 2; Ullrich congenital muscular dystrophy 2. Last evaluated: 2024-11-21. Review status: criteria provided, single submitter. Criteria: Invitae Variant Classification Sherloc (09022015). Collection method: clinical testing. Allele origin: germline.
Comment: This sequence change replaces arginine, which is basic and polar, with serine, which is neutral and polar, at codon 905 of the COL12A1 protein (p.Arg905Ser). This variant is present in population databases (rs768127770, gnomAD 0.0009%). This variant has not been reported in the literature in individuals affected with COL12A1-related conditions. An algorithm developed to predict the effect of missense changes on protein structure and function (PolyPhen-2) suggests that this variant is likely to be disruptive. In summary, the available evidence is currently insufficient to determine the role of this variant in disease. Therefore, it has been classified as a Variant of Uncertain Significance.

NM_004370.6(COL12A1):c.2713C>A (p.Arg905Ser)

Gene: COL12A1 (collagen type XII alpha 1 chain; minus strand). Cytogenetic location: 6q13.
Variant type: single nucleotide variant.
Coding change: c.2713C>A on transcript NM_004370.6 (MANE Select); coding-DNA position 2713, C replaced by A.
Protein change: p.Arg905Ser; replaces arginine 905 with serine.
Molecular consequence: missense variant. On other transcripts: intron variant (2).
Genome position (GRCh38, 1-based): chr6:75,165,777, G>T on the plus strand (C>A on the coding strand, the complement: COL12A1 is on the minus strand). VCF-style: chr6-75165777-G-T. GRCh37 (hg19) VCF-style: chr6-75875493-G-T.
Other names: c.2713C>A, p.Arg905Ser (NM_001424113.1, NM_001424114.1); c.2440C>A, p.Arg814Ser (NM_001424115.1); c.74-13295C>A (NM_001424116.1, NM_080645.3); short protein forms R814S, R905S.
Identifiers: ClinVar variation 3763611 (VCV003763611.2).